The following is an entry in ClinVar:

ClinVar aggregate classification (germline): Pathogenic/Likely pathogenic. Review status: criteria provided, multiple submitters, no conflicts (2 of 4 stars). 8 submissions from 6 submitters: Pathogenic (7); Likely pathogenic (1). Last evaluated 2025-09-09.

Conditions:
Leber congenital amaurosis (LCA). Also called: Leber's amaurosis. Identifiers: Orphanet 65, MedGen C0339527, MeSH D057130, MONDO:0018998.
Pigmented paravenous retinochoroidal atrophy. Identifiers: Orphanet 251295, MedGen C1868310, MONDO:0008246, OMIM 172870.
Leber congenital amaurosis 8 (LCA8). Identifiers: Orphanet 65, MedGen C3151202, MONDO:0013453, OMIM 613835.
Retinitis pigmentosa 12 (RP12). Also called: RP WITH OR WITHOUT PPRPE; RP WITH OR WITHOUT PRESERVED PARAARTERIOLE RETINAL PIGMENT EPITHELIUM; RETINITIS PIGMENTOSA WITH OR WITHOUT PARAARTERIOLAR PRESERVATION OF RETINAL PIGMENT EPITHELIUM. Identifiers: Orphanet 791, MedGen C1838647, MONDO:0010818, OMIM 600105.
CRB1-related disorder. Also called: CRB1-related disorders; CRB1-related condition.

Allele frequency attached by ClinVar (database versions not stated): gnomAD 0.00001; ExAC 0.00002; gnomAD exomes 0.00002.
gnomAD v4.1: 8 of 1,613,992 alleles (0.0005%); highest among the groups gnomAD compares: Admixed American, 0.0017%; no homozygotes.

Submissions (8):

Labcorp Genetics (formerly Invitae), Labcorp
Classification: Pathogenic for Leber congenital amaurosis 8; Retinitis pigmentosa 12. Last evaluated: 2025-09-09. Review status: criteria provided, single submitter. Criteria: Invitae Variant Classification Sherloc (09022015). Collection method: clinical testing. Allele origin: germline.
Comment: This sequence change affects an acceptor splice site in intron 2 of the CRB1 gene. It is expected to disrupt RNA splicing. Variants that disrupt the donor or acceptor splice site typically lead to a loss of protein function (PMID: 16199547), and loss-of-function variants in CRB1 are known to be pathogenic (PMID: 10508521, 22065545, 23379534, 25412400, 26957898, 28041643, 29391521). This variant is present in population databases (rs760287363, gnomAD 0.003%). Disruption of this splice site has been observed in individuals with retinitis pigmentosa (PMID: 30902645). ClinVar contains an entry for this variant (Variation ID: 866627). Algorithms developed to predict the effect of sequence changes on RNA splicing suggest that this variant may disrupt the consensus splice site. For these reasons, this variant has been classified as Pathogenic.

Natera, Inc.
Classification: Pathogenic for Leber congenital amaurosis. Last evaluated: 2025-01-28. Review status: criteria provided, single submitter. Criteria: Natera Variant Classification Schema (03/2026). Collection method: clinical testing. Allele origin: germline.
Comment: The c.653-1G>T variant in CRB1 is a canonical splice acceptor site variant predicted to affect pre-mRNA splicing, which may result in an abnormal transcript and altered protein product. This variant is expected to result in nonsense mediated decay, truncation, or a dysfunctional protein product. This variant is rare in the general population with a frequency below the threshold expected for the associated phenotype(s). This variant has been observed in one or more individuals affected with the associated recessive disease, as either homozygous or compound heterozygous with a second variant (PMID: 36819107). Given the available evidence, this variant is classified as Pathogenic.

Baylor Genetics
Classification: Pathogenic for Leber congenital amaurosis 8. Last evaluated: 2024-02-29. Review status: criteria provided, single submitter. Criteria: ACMG Guidelines, 2015. Collection method: clinical testing. Allele origin: unknown.

Genome-Nilou Lab
Classification: Pathogenic for Leber congenital amaurosis 8. Last evaluated: 2023-04-11. Review status: criteria provided, single submitter. Criteria: ACMG Guidelines, 2015. Collection method: clinical testing. Allele origin: germline. Affected: no.

Genome-Nilou Lab
Classification: Pathogenic for Pigmented paravenous retinochoroidal atrophy. Last evaluated: 2023-04-11. Review status: criteria provided, single submitter. Criteria: ACMG Guidelines, 2015. Collection method: clinical testing. Allele origin: germline. Affected: no.

Genome-Nilou Lab
Classification: Pathogenic for Retinitis pigmentosa 12. Last evaluated: 2023-04-11. Review status: criteria provided, single submitter. Criteria: ACMG Guidelines, 2015. Collection method: clinical testing. Allele origin: germline. Affected: no.

DBGen Ocular Genomics
Classification: Pathogenic for Retinitis pigmentosa 12. Last evaluated: 2021-06-04. Review status: criteria provided, single submitter. Criteria: ACMG Guidelines, 2015. Collection method: clinical testing. Allele origin: germline. Affected: yes. Observed: 1 variant allele.

Blueprint Genetics
Classification: Likely pathogenic for CRB1-related disorders. Last evaluated: 2019-06-23. Review status: criteria provided, single submitter. Criteria: ACMG Guidelines, 2015. Collection method: clinical testing. Allele origin: germline. Affected: yes. Observed: 2 variant alleles.

Literature cited by the submitters: PubMed 16199547 (cited by Labcorp Genetics (formerly Invitae), Labcorp); PubMed 10508521 (cited by Labcorp Genetics (formerly Invitae), Labcorp); PubMed 22065545 (cited by Labcorp Genetics (formerly Invitae), Labcorp); PubMed 23379534 (cited by Labcorp Genetics (formerly Invitae), Labcorp); PubMed 25412400 (cited by Labcorp Genetics (formerly Invitae), Labcorp); PubMed 26957898 (cited by Labcorp Genetics (formerly Invitae), Labcorp); PubMed 28041643 (cited by Labcorp Genetics (formerly Invitae), Labcorp); PubMed 29391521 (cited by Labcorp Genetics (formerly Invitae), Labcorp); PubMed 30902645 (cited by Labcorp Genetics (formerly Invitae), Labcorp); PubMed 36819107 (cited by Natera, Inc.).

NM_201253.3(CRB1):c.653-1G>T

Gene: CRB1 (crumbs cell polarity complex component 1; plus strand). Cytogenetic location: 1q31.3.
Variant type: single nucleotide variant.
Coding change: c.653-1G>T on transcript NM_201253.3 (MANE Select); the canonical splice acceptor site of the intron before coding-DNA position 653, G replaced by T.
Molecular consequence: splice acceptor variant. On other transcripts: intron variant (1).
Genome position (GRCh38, 1-based): chr1:197,344,280, G>T. VCF-style: chr1-197344280-G-T. GRCh37 (hg19) VCF-style: chr1-197313410-G-T.
Other names: c.446-1G>T (NM_001257965.2); c.653-1G>T (NM_001257966.2); c.653-12551G>T (NM_001193640.2).
Identifiers: ClinVar variation 866627 (VCV000866627.13), dbSNP rs760287363, ClinGen allele CA1311685.